The following is an entry in ClinVar:

ClinVar aggregate classification (germline): Conflicting classifications of pathogenicity. Review status: criteria provided, conflicting classifications (1 of 4 stars). 5 submissions from 5 submitters: Uncertain significance (1); Likely benign (2). 2 of the submissions do not count toward it. Last evaluated 2025-12-03.

Conditions:
Myofibrillar myopathy 3 (MFM3). Also called: Muscular dystrophy, proximal, type 1A; Autosomal dominant spheroid body myopathy. Identifiers: Orphanet 266, Orphanet 268129, MedGen C3714934, MONDO:0012215, OMIM 609200.

Allele frequency attached by ClinVar (database versions not stated): ExAC 0.00003; gnomAD exomes 0.00005 and 0.00015; ESP Exome Variant Server 0.00008; gnomAD 0.00009 and 0.00011; TOPMed 0.00009.
gnomAD v4.1: 224 of 1,613,864 alleles (0.014%); highest among the groups gnomAD compares: Non-Finnish European, 0.018%; no homozygotes.

Submissions (5):

Labcorp Genetics (formerly Invitae), Labcorp
Classification: Likely benign for Myofibrillar myopathy 3. Last evaluated: 2025-12-03. Review status: criteria provided, single submitter. Criteria: Invitae Variant Classification Sherloc (09022015). Collection method: clinical testing. Allele origin: germline.

Eurofins Ntd Llc (ga)
Classification: Uncertain significance. Last evaluated: 2018-08-23. Review status: criteria provided, single submitter. Criteria: EGL ClinVar v180209 classification definitions. Collection method: clinical testing. Allele origin: germline. Observed: 1 variant allele, 1 heterozygote.

GeneDx
Classification: Likely benign. Last evaluated: 2018-03-22. Review status: criteria provided, single submitter. Criteria: GeneDx Variant Classification (06012015). Collection method: clinical testing. Allele origin: germline. Affected: yes.
Comment: This variant is considered likely benign or benign based on one or more of the following criteria: it is a conservative change, it occurs at a poorly conserved position in the protein, it is predicted to be benign by multiple in silico algorithms, and/or has population frequency not consistent with disease.

Genome Diagnostics Laboratory, University Medical Center Utrecht
Classification: Likely benign. Review status: no assertion criteria provided. Collection method: clinical testing. Allele origin: germline. Affected: yes. Study: VKGL Data-share Consensus. Not counted in ClinVar's aggregate classification.

Joint Genome Diagnostic Labs from Nijmegen and Maastricht, Radboudumc and MUMC+
Classification: Likely benign. Review status: no assertion criteria provided. Collection method: clinical testing. Allele origin: germline. Affected: yes. Study: VKGL Data-share Consensus. Not counted in ClinVar's aggregate classification.

NM_006790.3(MYOT):c.594G>A (p.Val198=)

Genes: MYOT (myotilin; plus strand), PKD2L2-DT (PKD2L2 divergent transcript; minus strand). Cytogenetic location: 5q31.2.
Variant type: single nucleotide variant.
Coding change: c.594G>A on transcript NM_006790.3 (MANE Select); coding-DNA position 594, G replaced by A.
Protein change: p.Val198=; no amino-acid change (valine 198 retained).
Molecular consequence: synonymous variant.
Genome position (GRCh38, 1-based): chr5:137,877,582, G>A. VCF-style: chr5-137877582-G-A. GRCh37 (hg19) VCF-style: chr5-137213271-G-A.
Other names: c.42G>A, p.Val14= (NM_001135940.2); c.249G>A, p.Val83= (NM_001300911.2).
Identifiers: ClinVar variation 598482 (VCV000598482.20), dbSNP rs372287923, ClinGen allele CA3422963.